The following is an entry in ClinVar:

NM_004565.3(PEX14):c.890A>C (p.Glu297Ala)

Gene: PEX14 (peroxisomal biogenesis factor 14; plus strand). Cytogenetic location: 1p36.22.
Variant type: single nucleotide variant.
Coding change: c.890A>C on transcript NM_004565.3 (MANE Select); coding-DNA position 890, A replaced by C.
Protein change: p.Glu297Ala; replaces glutamic acid 297 with alanine.
Molecular consequence: missense variant.
Genome position (GRCh38, 1-based): chr1:10,629,743, A>C. VCF-style: chr1-10629743-A-C. GRCh37 (hg19) VCF-style: chr1-10689800-A-C.
Other names: short protein forms E297A.
Identifiers: ClinVar variation 1904041 (VCV001904041.3), dbSNP rs1641858772, ClinGen allele CA338338997.
Genomic context (GRCh38, chr1:10,629,743, plus strand): 5'-GGAAGGAGGGCCACAGCCCCGAGGGCTCCACGGTCACCTACCACTTGCTGGGCCCCCAGG[A>C]GGAAGGCGAGGGGGTGGTGGACGTCAAGGGCCAGGTGCGGATGGAGGTGCAAGGCGAGGA-3'
Protein context (NP_004556.1, residues 287-307): TVTYHLLGPQ[Glu297Ala]EGEGVVDVKG

ClinVar aggregate classification (germline): Uncertain significance (1 of 4 stars; one submission).

Conditions:
Peroxisome biogenesis disorder, complementation group K (CGK). Identifiers: MedGen C1866257, MONDO:0800365.

Allele frequency attached by ClinVar (database versions not stated): TOPMed below 0.00001.

Submission:

Labcorp Genetics (formerly Invitae), Labcorp
Classification: Uncertain significance for Peroxisome biogenesis disorder, complementation group K. Last evaluated: 2022-10-13. Review status: criteria provided, single submitter. Criteria: Invitae Variant Classification Sherloc (09022015). Collection method: clinical testing. Allele origin: germline.
Comment: This variant is not present in population databases (gnomAD no frequency). In summary, the available evidence is currently insufficient to determine the role of this variant in disease. Therefore, it has been classified as a Variant of Uncertain Significance. Advanced modeling of protein sequence and biophysical properties (such as structural, functional, and spatial information, amino acid conservation, physicochemical variation, residue mobility, and thermodynamic stability) performed at Invitae indicates that this missense variant is not expected to disrupt PEX14 protein function. This variant has not been reported in the literature in individuals affected with PEX14-related conditions. This sequence change replaces glutamic acid, which is acidic and polar, with alanine, which is neutral and non-polar, at codon 297 of the PEX14 protein (p.Glu297Ala).